The following is an entry in ClinVar:

ClinVar aggregate classification (germline): Likely benign. Review status: criteria provided, multiple submitters, no conflicts (2 of 4 stars). 3 submissions from 3 submitters: Likely benign (2). 1 of the submissions does not count toward it. Last evaluated 2025-08-29.

Conditions:
COL18A1-related disorder. Also called: COL18A1-related disorders; COL18A1-related condition.

gnomAD v4.1: 156 of 1,605,128 alleles (0.0097%); highest among the groups gnomAD compares: South Asian, 0.034%; no homozygotes.

Submissions (3):

Labcorp Genetics (formerly Invitae), Labcorp
Classification: Likely benign. Last evaluated: 2025-08-29. Review status: criteria provided, single submitter. Criteria: Invitae Variant Classification Sherloc (09022015). Collection method: clinical testing. Allele origin: germline.

Blueprint Genetics
Classification: Likely benign. Last evaluated: 2024-09-02. Review status: criteria provided, single submitter. Criteria: ACMG Guidelines, 2015. Collection method: clinical testing. Allele origin: germline.

PreventionGenetics, part of Exact Sciences
Classification: Likely benign for COL18A1-related condition. Last evaluated: 2019-02-25. Review status: no assertion criteria provided. Collection method: clinical testing. Allele origin: germline. Not counted in ClinVar's aggregate classification.
Comment: This variant is classified as likely benign based on ACMG/AMP sequence variant interpretation guidelines (Richards et al. 2015 PMID: 25741868, with internal and published modifications).

NM_001379500.1(COL18A1):c.107-12178G>T

Gene: COL18A1 (collagen type XVIII alpha 1 chain; plus strand). Cytogenetic location: 21q22.3.
Variant type: single nucleotide variant.
Coding change: c.107-12178G>T on transcript NM_001379500.1 (MANE Select); 12178 bases into the intron before coding-DNA position 107, G replaced by T.
Molecular consequence: intron variant. On other transcripts: synonymous variant (2).
Genome position (GRCh38, 1-based): chr21:45,456,064, G>T. VCF-style: chr21-45456064-G-T. GRCh37 (hg19) VCF-style: chr21-46875978-G-T.
Other names: c.534G>T, p.Pro178= (NM_030582.4, NM_130444.3); c.534G>T (NM_030582.3).
Identifiers: ClinVar variation 1608982 (VCV001608982.11), dbSNP rs771496335, ClinGen allele CA10065504.